The following is an entry in ClinVar:

NM_000944.5(PPP3CA):c.220C>G (p.Gln74Glu)

Gene: PPP3CA (protein phosphatase 3 catalytic subunit alpha; minus strand). Cytogenetic location: 4q24.
Variant type: single nucleotide variant.
Coding change: c.220C>G on transcript NM_000944.5 (MANE Select); coding-DNA position 220, C replaced by G.
Protein change: p.Gln74Glu; replaces glutamine 74 with glutamic acid.
Molecular consequence: missense variant.
Genome position (GRCh38, 1-based): chr4:101,195,955, G>C on the plus strand (C>G on the coding strand, the complement: PPP3CA is on the minus strand). VCF-style: chr4-101195955-G-C. GRCh37 (hg19) VCF-style: chr4-102117112-G-C.
Other names: c.220C>G, p.Gln74Glu (NM_001130691.2, NM_001130692.2); short protein forms Q74E.
Identifiers: ClinVar variation 2123298 (VCV002123298.4), dbSNP rs768666798, ClinGen allele CA357950801.

ClinVar aggregate classification (germline): Uncertain significance (1 of 4 stars; one submission).

Allele frequency attached by ClinVar (database versions not stated): gnomAD 0.00001; TOPMed 0.00001.
gnomAD v4.1: 1 of 1,613,686 alleles (0.000062%); highest among the groups gnomAD compares: Admixed American, 0.0017%; no homozygotes.

Submission:

Labcorp Genetics (formerly Invitae), Labcorp
Classification: Uncertain significance. Last evaluated: 2023-06-04. Review status: criteria provided, single submitter. Criteria: Invitae Variant Classification Sherloc (09022015). Collection method: clinical testing. Allele origin: germline.
Comment: In summary, the available evidence is currently insufficient to determine the role of this variant in disease. Therefore, it has been classified as a Variant of Uncertain Significance. Advanced modeling of protein sequence and biophysical properties (such as structural, functional, and spatial information, amino acid conservation, physicochemical variation, residue mobility, and thermodynamic stability) performed at Invitae indicates that this missense variant is not expected to disrupt PPP3CA protein function. ClinVar contains an entry for this variant (Variation ID: 2123298). This variant has not been reported in the literature in individuals affected with PPP3CA-related conditions. This variant is present in population databases (no rsID available, gnomAD 0.1%). This sequence change replaces glutamine, which is neutral and polar, with glutamic acid, which is acidic and polar, at codon 74 of the PPP3CA protein (p.Gln74Glu).